The following is an entry in ClinVar:

ClinVar aggregate classification (germline): Conflicting classifications of pathogenicity. Review status: criteria provided, conflicting classifications (1 of 4 stars). 2 submissions from 2 submitters: Uncertain significance (1); Likely benign (1). Last evaluated 2025-07-09.

Conditions:
Long QT syndrome (LQTS). Identifiers: MedGen C0023976, MeSH D008133, MONDO:0002442. Disease mechanism: loss of function. Inheritance: Various modes of inheritance.

Allele frequency attached by ClinVar (database versions not stated): ExAC 0.00001.
gnomAD v4.1: 12 of 1,611,416 alleles (0.00074%); highest among the groups gnomAD compares: South Asian, 0.0044%; no homozygotes.

Submissions (2):

GeneDx
Classification: Uncertain significance. Last evaluated: 2025-07-09. Review status: criteria provided, single submitter. Criteria: GeneDx Variant Classification Process June 2021. Collection method: clinical testing. Allele origin: germline. Affected: yes.
Comment: Reported in a patient with hypertrophic cardiomyopathy in the published literature (PMID: 30531895); In silico analysis suggests that this missense variant does not alter protein structure/function; Not observed at significant frequency in large population cohorts (gnomAD); This variant is associated with the following publications: (PMID: 30531895)

Labcorp Genetics (formerly Invitae), Labcorp
Classification: Likely benign for Long QT syndrome. Last evaluated: 2025-01-19. Review status: criteria provided, single submitter. Criteria: Invitae Variant Classification Sherloc (09022015). Collection method: clinical testing. Allele origin: germline.

NM_000719.7(CACNA1C):c.5347G>A (p.Gly1783Ser)

Genes: CACNA1C (calcium voltage-gated channel subunit alpha1 C; plus strand), CACNA1C-AS1 (CACNA1C antisense RNA 1; minus strand). Cytogenetic location: 12p13.33.
Variant type: single nucleotide variant.
Coding change: c.5347G>A on transcript NM_000719.7 (MANE Select); coding-DNA position 5347, G replaced by A.
Protein change: p.Gly1783Ser; replaces glycine 1783 with serine.
Molecular consequence: missense variant.
Genome position (GRCh38, 1-based): chr12:2,679,699, G>A. VCF-style: chr12-2679699-G-A. GRCh37 (hg19) VCF-style: chr12-2788865-G-A.
Other names: c.5404G>A, p.Gly1802Ser (NM_001129833.2, NM_001129834.2, NM_001129835.2); c.5398G>A, p.Gly1800Ser (NM_001129836.2); c.5371G>A, p.Gly1791Ser (NM_001129837.2, NM_001129838.2); c.5365G>A, p.Gly1789Ser (NM_001129839.2); c.5347G>A, p.Gly1783Ser (NM_001129840.2, NM_001129830.3, NM_001129841.2 and 4 more transcripts); c.5491G>A, p.Gly1831Ser (NM_001129827.2, NM_199460.4); c.5470G>A, p.Gly1824Ser (NM_001129829.2); c.5431G>A, p.Gly1811Ser (NM_001129831.2); and 3 more; short protein forms G1789S, G1802S, G1780S, G1791S, G1800S, G1811S, G1772S, G1783S.
Identifiers: ClinVar variation 2055647 (VCV002055647.5), dbSNP rs781633980, ClinGen allele CA6389761.